The following is an entry in ClinVar:

ClinVar aggregate classification (germline): Uncertain significance (1 of 4 stars; one submission).

Conditions:
Deficiency of UDPglucose-hexose-1-phosphate uridylyltransferase. Also called: GALT deficiency; Galactosemia, classic; GALACTOSE-1-PHOSPHATE URIDYLYLTRANSFERASE DEFICIENCY; Transferase Deficiency Galactosemia; GALACTOSEMIA I. Identifiers: Orphanet 352, Orphanet 79239, MedGen C0268151, MONDO:0009258, OMIM 230400.

Allele frequency attached by ClinVar (database versions not stated): gnomAD exomes below 0.00001.
gnomAD v4.1: 2 of 1,614,188 alleles (0.00012%); highest among the groups gnomAD compares: South Asian, 0.0022%; no homozygotes.

Submission:

ARUP Laboratories, Molecular Genetics and Genomics, ARUP Laboratories
Classification: Uncertain significance for Deficiency of UDPglucose-hexose-1-phosphate uridylyltransferase. Last evaluated: 2022-06-03. Review status: criteria provided, single submitter. Criteria: ARUP Molecular Germline Variant Investigation Process 2021. Collection method: clinical testing. Allele origin: germline.
Comment: The GALT c.302C>G; p.Ala101Gly variant, to our knowledge, is not reported in the medical literature or gene specific databases. This variant is absent from the Genome Aggregation Database, indicating it is not a common polymorphism. Additionally, another variant at this codon (c.302C>A, p.Ala101Asp) has been reported in an individual with galactosemia and is considered likely pathogenic (Choi 2014). The alanine at codon 101 is moderately conserved, and computational analyses predict that this variant is deleterious (REVEL: 0.862). However, given the lack of clinical and functional data, the significance of the p.Ala101Gly variant is uncertain at this time. References: Choi R et al. Novel GALT variations and mutation spectrum in the Korean population with decreased galactose-1-phosphate uridyltransferase activity. BMC Med Genet. 2014 Aug 15;15:94. PMID: 25124065.

NM_000155.4(GALT):c.302C>G (p.Ala101Gly)

Gene: GALT (galactose-1-phosphate uridylyltransferase; plus strand). Cytogenetic location: 9p13.3.
Variant type: single nucleotide variant.
Coding change: c.302C>G on transcript NM_000155.4 (MANE Select); coding-DNA position 302, C replaced by G.
Protein change: p.Ala101Gly; replaces alanine 101 with glycine.
Molecular consequence: missense variant. On other transcripts: intron variant (1).
Genome position (GRCh38, 1-based): chr9:34,647,541, C>G. VCF-style: chr9-34647541-C-G. GRCh37 (hg19) VCF-style: chr9-34647538-C-G.
Other names: c.50+283C>G (NM_001258332.2); short protein forms A101G.
Identifiers: ClinVar variation 2428671 (VCV002428671.3), dbSNP rs2492864224, ClinGen allele CA373279999.